The following is an entry in ClinVar:

NM_033360.4(KRAS):c.140A>G (p.Asp47Gly)

Gene: KRAS (KRAS proto-oncogene, GTPase; minus strand). Cytogenetic location: 12p12.1.
Variant type: single nucleotide variant.
Coding change: c.140A>G on transcript NM_033360.4; coding-DNA position 140, A replaced by G.
Protein change: p.Asp47Gly; replaces aspartic acid 47 with glycine.
Molecular consequence: missense variant.
Genome position (GRCh38, 1-based): chr12:25,227,384, T>C on the plus strand (A>G on the coding strand, the complement: KRAS is on the minus strand). VCF-style: chr12-25227384-T-C. GRCh37 (hg19) VCF-style: chr12-25380318-T-C.
Other names: c.140A>G, p.Asp47Gly (NM_001369786.1, NM_001369787.1, NM_004985.5 and 2 more transcripts); short protein forms D47G.
Identifiers: ClinVar variation 633282 (VCV000633282.1), dbSNP rs1565885006, ClinGen allele CA384152371.

ClinVar aggregate classification (germline): Uncertain significance (1 of 4 stars; one submission).

Submission:

Women's Health and Genetics/Laboratory Corporation of America, LabCorp
Classification: Uncertain significance. Last evaluated: 2018-04-23. Review status: criteria provided, single submitter. Criteria: LabCorp Variant Classification Summary - May 2015. Collection method: clinical testing. Allele origin: germline.
Comment: Variant summary: KRAS c.140A>G (p.Asp47Gly) results in a non-conservative amino acid change located in the Small GTP-binding protein domain (IPR005225) of the encoded protein sequence. Four of five in-silico tools predict a damaging effect of the variant on protein function. The variant was absent in 246138 control chromosomes (gnomAD). The available data on variant occurrences in the general population are insufficient to allow any conclusion about variant significance. To our knowledge, no occurrence of c.140A>G in individuals affected with Noonan Syndrome and Related Conditions and no experimental evidence demonstrating its impact on protein function have been reported. No clinical diagnostic laboratories have submitted clinical-significance assessments for this variant to ClinVar after 2014. Based on the evidence outlined above, the variant was classified as uncertain significance.